The following is an entry in ClinVar:

NM_001035.3(RYR2):c.11965A>G (p.Asn3989Asp)

Gene: RYR2 (ryanodine receptor 2; plus strand). Cytogenetic location: 1q43.
Variant type: single nucleotide variant.
Coding change: c.11965A>G on transcript NM_001035.3 (MANE Select); coding-DNA position 11965, A replaced by G.
Protein change: p.Asn3989Asp; replaces asparagine 3989 with aspartic acid.
Molecular consequence: missense variant.
Genome position (GRCh38, 1-based): chr1:237,783,677, A>G. VCF-style: chr1-237783677-A-G. GRCh37 (hg19) VCF-style: chr1-237946977-A-G.
Other names: p.N3989D:AAT>GAT; c.11965A>G, p.Asn3989Asp (LRG_402t1); short protein forms N3989D.
Identifiers: ClinVar variation 201319 (VCV000201319.12), dbSNP rs794728779, ClinGen allele CA007278.

ClinVar aggregate classification (germline): Pathogenic/Likely pathogenic. Review status: criteria provided, multiple submitters, no conflicts (2 of 4 stars). 2 submissions from 2 submitters: Pathogenic (1); Likely pathogenic (1). Last evaluated 2021-03-19.

Conditions:
Catecholaminergic polymorphic ventricular tachycardia 1. Also called: RYR2-Related Catecholaminergic Polymorphic Ventricular Tachycardia; VENTRICULAR TACHYCARDIA, CATECHOLAMINERGIC POLYMORPHIC, 1, WITH OR WITHOUT ATRIAL DYSFUNCTION AND/OR DILATED CARDIOMYOPATHY; VENTRICULAR TACHYCARDIA, STRESS-INDUCED POLYMORPHIC 1. Identifiers: Orphanet 3286, MedGen C1631597, MONDO:0011484, OMIM 604772.

Submissions (2):

Labcorp Genetics (formerly Invitae), Labcorp
Classification: Likely pathogenic for Catecholaminergic polymorphic ventricular tachycardia 1. Last evaluated: 2021-03-19. Review status: criteria provided, single submitter. Criteria: Invitae Variant Classification Sherloc (09022015). Collection method: clinical testing. Allele origin: germline.
Comment: In summary, the currently available evidence indicates that the variant is pathogenic, but additional data are needed to prove that conclusively. Therefore, this variant has been classified as Likely Pathogenic. Algorithms developed to predict the effect of missense changes on protein structure and function are either unavailable or do not agree on the potential impact of this missense change (SIFT: "Deleterious"; PolyPhen-2: "Probably Damaging"; Align-GVGD: "Class C15"). This variant has been observed in individual(s) with clinical features of catecholaminergic polymorphic ventricular tachycardia (Invitae). In at least one individual the variant was observed to be de novo. ClinVar contains an entry for this variant (Variation ID: 201319). This variant is not present in population databases (ExAC no frequency). This sequence change replaces asparagine with aspartic acid at codon 3989 of the RYR2 protein (p.Asn3989Asp). The asparagine residue is highly conserved and there is a small physicochemical difference between asparagine and aspartic acid.

GeneDx
Classification: Pathogenic. Last evaluated: 2012-11-09. Review status: criteria provided, single submitter. Criteria: GeneDx Variant Classification (06012015). Collection method: clinical testing. Allele origin: germline. Affected: yes.
Comment: p.Asn3989Asp (AAT>GAT):c.11965 A>G in exon 90 of the RYR2 gene (NM_001035.2). The Asn3989Asp mutation in the RYR2 gene has not been reported previously as a disease-causing mutation or as a benign polymorphism, to our knowledge. Asn3989Asp results in a non-conservative amino acid substitution of a neutral, polar Asparagine with a negatively charged Aspartic acid at a residue that is conserved across species. In silico analysis predicts Asn3989Asp is probably damaging to the protein structure/function. The Asn3989Asp mutation is located in the channel region mutation hot spot, where other mutations in nearby codons (Met3978Ile, Val3990Asp) have been reported in association with CPVT (Medeiros-Domingo A et al., 2009). In addition, the Asn3989Asp has been observed in other unrelated individuals at GeneDx. The NHLBI ESP Exome Variant Server reports Asn3989Asp was not observed in approximately 5,000 samples from individuals of European and African American backgrounds, indicating it is not a common benign variant in these populations. Therefore, Asn3989Asp in the RYR2 gene is interpreted as a disease-causing mutation. The variant is found in POSTMORTEM,CPVT panel(s).